The following is an entry in ClinVar:

NM_001429.4(EP300):c.1528+3_1528+10del

Gene: EP300 (EP300 lysine acetyltransferase; plus strand). Cytogenetic location: 22q13.2.
Variant type: Deletion.
Coding change: c.1528+3_1528+10del on transcript NM_001429.4 (MANE Select); bases 3 to 10 of the intron after coding-DNA position 1528, 8 bases deleted (AAGTTTGT; older notation c.1528+3_1528+10delAAGTTTGT).
Molecular consequence: splice donor variant.
Genome position (GRCh38, 1-based): chr22:41,131,636-41,131,643, AAGTTTGT deleted; deleting any 8 consecutive bases within chr22:41,131,634-41,131,643 gives the same sequence; the c. name uses the placement nearest the transcript's 3' end. VCF-style (leftmost placement, unchanged base first): chr22-41131633-AGTAAGTTT-A. GRCh37 (hg19) VCF-style: chr22-41527637-AGTAAGTTT-A.
Other names: c.1528+3_1528+10del (NM_001362843.2).
Identifiers: ClinVar variation 3062160 (VCV003062160.1), dbSNP rs2518135140, ClinGen allele CA2695230979.

ClinVar aggregate classification (germline): Uncertain significance (1 of 4 stars; one submission).

Conditions:
Rubinstein-Taybi syndrome due to EP300 haploinsufficiency. Also called: EP300-Related Rubinstein-Taybi Syndrome; RUBINSTEIN-TAYBI SYNDROME 2. Identifiers: Orphanet 353284, Orphanet 783, MedGen C3150941, MONDO:0013364, OMIM 613684.

Submission:

Illumina Laboratory Services, Illumina
Classification: Uncertain significance for Rubinstein-Taybi syndrome due to EP300 haploinsufficiency. Last evaluated: 2018-05-04. Review status: criteria provided, single submitter. Criteria: ICSLVariantClassificationCriteria RUGD 01 April 2020. Collection method: clinical testing. Allele origin: unknown.
Comment: The EP300 c.1528+3_1528+10delAAGTTTGT variant is a splice region variant which, to our knowledge, has not been reported in the peer-reviewed literature. This variant is not observed in version 2.1.1 or version 4.0.0 of the Genome Aggregation Database. Based on the evidence, the c.1528+3_1528+10delAAGTTTGT variant is classified as a variant of uncertain significance for Rubinstein-Taybi syndrome.